The following is an entry in ClinVar:

NM_000038.6(APC):c.6412del (p.Ser2137_Leu2138insTer)

Gene: APC (APC regulator of Wnt signaling pathway; plus strand). Cytogenetic location: 5q22.2.
Variant type: Deletion.
Coding change: c.6412del on transcript NM_000038.6 (MANE Select); coding-DNA position 6412, one base deleted (C; older notation c.6412delC).
Protein change: p.Ser2137_Leu2138insTer.
Molecular consequence: nonsense. On other transcripts: non-coding transcript variant (2).
Genome position (GRCh38, 1-based): chr5:112,842,006, C deleted; the last of 3 consecutive C bases (chr5:112,842,004-112,842,006); deleting any one gives the same sequence. VCF-style (leftmost placement, unchanged base first): chr5-112842003-TC-T. GRCh37 (hg19) VCF-style: chr5-112177700-TC-T.
Other names: c.6412del, p.Ser2137_Leu2138insTer (NM_001127510.3, NM_001354895.2, NM_001407450.1); c.6358del, p.Ser2119_Leu2120insTer (NM_001127511.3); c.6466del, p.Ser2155_Leu2156insTer (NM_001354896.2, NM_001407447.1, NM_001407448.1 and 1 more transcripts); c.6442del, p.Ser2147_Leu2148insTer (NM_001354897.2); c.6337del, p.Ser2112_Leu2113insTer (NM_001354898.2); c.6328del, p.Ser2109_Leu2110insTer (NM_001354899.2); c.6289del, p.Ser2096_Leu2097insTer (NM_001354900.2); c.6235del, p.Ser2078_Leu2079insTer (NM_001354901.2, NM_001407453.1); and 11 more.
Identifiers: ClinVar variation 2583491 (VCV002583491.2), dbSNP rs2533712520, ClinGen allele CA2582341610.
Genomic context (GRCh38, chr5:112,842,003, plus strand): 5'-CAAGCTGCTGCTGCTGCATGTTTATCTAGACAAGCTTCGTCTGATTCAGATTCCATCCTT[TC>T]CCTGAAATCAGGAATCTCTCTGGGATCACCATTTCATCTTACACCTGATCAAGAAGAAAA-3'

ClinVar aggregate classification (germline): Pathogenic (1 of 4 stars; one submission).

Conditions:
Familial adenomatous polyposis 1 (FAP1). Also called: POLYPOSIS, ADENOMATOUS INTESTINAL; FAMILIAL ADENOMATOUS POLYPOSIS 1, ATTENUATED. Identifiers: MedGen C2713442, MONDO:0021056, OMIM 175100. Disease mechanism: loss of function.

Submission:

Myriad Genetics, Inc.
Classification: Pathogenic for Familial adenomatous polyposis 1. Last evaluated: 2023-05-15. Review status: criteria provided, single submitter. Criteria: Myriad Autosomal Dominant, Autosomal Recessive and X-Linked Classification Criteria (2023). Collection method: clinical testing. Allele origin: unknown.
Comment: This variant is considered pathogenic. This variant creates a termination codon and is predicted to result in premature protein truncation.